The following is an entry in ClinVar:

ClinVar aggregate classification (germline): Uncertain significance. Review status: criteria provided, multiple submitters, no conflicts (2 of 4 stars). 2 submissions from 2 submitters: Uncertain significance (2). Last evaluated 2025-07-01.

Allele frequency attached by ClinVar (database versions not stated): TOPMed below 0.00001; gnomAD exomes 0.00001 and 0.00002; ExAC 0.00002.
gnomAD v4.1: 5 of 1,613,996 alleles (0.00031%); highest among the groups gnomAD compares: Admixed American, 0.0083%; no homozygotes.

Submissions (2):

GeneDx
Classification: Uncertain significance. Last evaluated: 2025-07-01. Review status: criteria provided, single submitter. Criteria: GeneDx Variant Classification Process June 2021. Collection method: clinical testing. Allele origin: germline. Affected: yes.
Comment: Not observed at significant frequency in large population cohorts (gnomAD); In silico analysis supports that this missense variant has a deleterious effect on protein structure/function; Has not been previously published as pathogenic or benign to our knowledge

Laboratory for Molecular Medicine, Mass General Brigham Personalized Medicine
Classification: Uncertain significance. Last evaluated: 2014-08-26. Review status: criteria provided, single submitter. Criteria: LMM Criteria. Collection method: clinical testing. Allele origin: germline. Observed: 1 variant allele.
Comment: The Lys813Asn variant in MYBPC3 has not been previously reported in individuals with cardiomyopathy or in large population studies. Computational prediction too ls and conservation analysis suggest that this variant may impact the protein, t hough this information is not predictive enough to determine pathogenicity. In s ummary, the clinical significance of the Lys813Asn variant is uncertain.

NM_000256.3(MYBPC3):c.2439G>C (p.Lys813Asn)

Gene: MYBPC3 (myosin binding protein C3; minus strand). Cytogenetic location: 11p11.2.
Variant type: single nucleotide variant.
Coding change: c.2439G>C on transcript NM_000256.3 (MANE Select); coding-DNA position 2439, G replaced by C.
Protein change: p.Lys813Asn; replaces lysine 813 with asparagine.
Molecular consequence: missense variant.
Genome position (GRCh38, 1-based): chr11:47,337,554, C>G on the plus strand (G>C on the coding strand, the complement: MYBPC3 is on the minus strand). VCF-style: chr11-47337554-C-G. GRCh37 (hg19) VCF-style: chr11-47359105-C-G.
Other names: short protein forms K813N.
Identifiers: ClinVar variation 179986 (VCV000179986.5), dbSNP rs727505264, ClinGen allele CA012275.
Genomic context (GRCh38, chr11:47,337,554, plus strand): 5'-CGCTTCATGACTCAGCTCCTGAATCAGGTCGAAGTTCAGCCGCATCCACCGGTAGCTCTT[C>G]TTCTTCTTGCGCTCCAGGATGTAGCCTGGCTCAGGGGAGGTGGCAGCTCTGGTCTGGAAC-3'
Protein context (NP_000247.2, residues 803-823): ILGYILERKK[Lys813Asn]KSYRWMRLNF